The following is an entry in ClinVar:

NM_001370259.2(MEN1):c.375_376del (p.Ile125fs)

Gene: MEN1 (menin 1; minus strand). Cytogenetic location: 11q13.1.
Variant type: Microsatellite.
Coding change: c.375_376del on transcript NM_001370259.2 (MANE Select); coding-DNA positions 375 to 376, 2 bases deleted (AT; older notation c.375_376delAT).
Protein change: p.Ile125fs; shifts the reading frame from isoleucine 125.
Molecular consequence: frameshift variant. On other transcripts: non-coding transcript variant (4).
Genome position (GRCh38, 1-based): chr11:64,809,734-64,809,735, AT deleted on the plus strand (AT on the coding strand, the reverse complement: MEN1 is on the minus strand); deleting any 2 consecutive bases within chr11:64,809,734-64,809,737 gives the same sequence; the c. name uses the placement nearest the transcript's 3' end. VCF-style (leftmost placement, unchanged base first): chr11-64809733-CAT-C. GRCh37 (hg19) VCF-style: chr11-64577205-CAT-C.
Other names: c.375_376del, p.Ile125fs (NM_001370263.2, NM_001407142.1, NM_001407143.1 and 20 more transcripts); short protein forms I125fs.
Identifiers: ClinVar variation 2735663 (VCV002735663.3), dbSNP rs2497260975, ClinGen allele CA645583372.

ClinVar aggregate classification (germline): Pathogenic (1 of 4 stars; one submission).

Conditions:
Multiple endocrine neoplasia, type 1 (MEN1). Also called: Endocrine adenomatosis multiple; MEN 1; MEA I; MEN I; WERMER SYNDROME. Identifiers: Orphanet 652, MedGen C0025267, MeSH D018761, MONDO:0007540, OMIM 131100.

Submission:

Labcorp Genetics (formerly Invitae), Labcorp
Classification: Pathogenic for Multiple endocrine neoplasia, type 1. Last evaluated: 2023-07-17. Review status: criteria provided, single submitter. Criteria: Invitae Variant Classification Sherloc (09022015). Collection method: clinical testing. Allele origin: germline.
Comment: This sequence change creates a premature translational stop signal (p.Ile125Metfs*54) in the MEN1 gene. It is expected to result in an absent or disrupted protein product. Loss-of-function variants in MEN1 are known to be pathogenic (PMID: 12112656, 17853334). For these reasons, this variant has been classified as Pathogenic. This variant is also known as 483del2. This premature translational stop signal has been observed in individual(s) with clinical features of multiple endocrine neoplasia type 1 (PMID: 9438006). This variant is not present in population databases (gnomAD no frequency).

Literature cited by the submitters: PubMed 12112656; PubMed 17853334; PubMed 9438006.